The following is an entry in ClinVar:

ClinVar aggregate classification (germline): Benign/Likely benign. Review status: criteria provided, multiple submitters, no conflicts (2 of 4 stars). 4 submissions from 4 submitters: Benign (1); Likely benign (2). 1 of the submissions does not count toward it. Last evaluated 2026-07-01.

Conditions:
FLNB-related disorder. Also called: FLNB-related disorders; FLNB-related condition. Identifiers: MedGen CN381095.

Allele frequency attached by ClinVar (database versions not stated): ExAC 0.00033; gnomAD exomes 0.00034; 1000 Genomes Project 30x 0.00094; 1000 Genomes Project 0.00100; gnomAD 0.00117 and 0.00125; TOPMed 0.00131; ESP Exome Variant Server 0.00154.
gnomAD v4.1: 480 of 1,614,102 alleles (0.03%); highest among the groups gnomAD compares: African/African-American, 0.39%; 1 homozygote.

Submissions (4):

CeGaT Center for Human Genetics Tuebingen
Classification: Likely benign. Last evaluated: 2026-07-01. Review status: criteria provided, single submitter. Criteria: CeGaT Center For Human Genetics Tuebingen Variant Classification Criteria Version 2. Collection method: clinical testing. Allele origin: germline. Affected: yes. Observed: 2 variant alleles.
Comment: FLNB: BP4, BP7

Labcorp Genetics (formerly Invitae), Labcorp
Classification: Benign. Last evaluated: 2026-01-31. Review status: criteria provided, single submitter. Criteria: Invitae Variant Classification Sherloc (09022015). Collection method: clinical testing. Allele origin: germline.

Blueprint Genetics
Classification: Likely benign. Last evaluated: 2024-11-14. Review status: criteria provided, single submitter. Criteria: ACMG Guidelines, 2015. Collection method: clinical testing. Allele origin: germline.

PreventionGenetics, part of Exact Sciences
Classification: Likely benign for FLNB-related condition. Last evaluated: 2023-03-02. Review status: no assertion criteria provided. Collection method: clinical testing. Allele origin: germline. Not counted in ClinVar's aggregate classification.
Comment: This variant is classified as likely benign based on ACMG/AMP sequence variant interpretation guidelines (Richards et al. 2015 PMID: 25741868, with internal and published modifications).

NM_001457.4(FLNB):c.7668C>T (p.Cys2556=)

Genes: FLNB (filamin B; plus strand), FLNB-AS1 (FLNB antisense RNA 1; minus strand). Cytogenetic location: 3p14.3.
Variant type: single nucleotide variant.
Coding change: c.7668C>T on transcript NM_001457.4 (MANE Select); coding-DNA position 7668, C replaced by T.
Protein change: p.Cys2556=; no amino-acid change (cysteine 2556 retained).
Molecular consequence: synonymous variant. On other transcripts: non-coding transcript variant (1).
Genome position (GRCh38, 1-based): chr3:58,170,621, C>T. VCF-style: chr3-58170621-C-T. GRCh37 (hg19) VCF-style: chr3-58156348-C-T.
Other names: c.7761C>T, p.Cys2587= (NM_001164317.2); c.7635C>T, p.Cys2545= (NM_001164318.2); c.7596C>T, p.Cys2532= (NM_001164319.2).
Identifiers: ClinVar variation 734262 (VCV000734262.35), dbSNP rs144621434, ClinGen allele CA2469762.